The following is an entry in ClinVar:

ClinVar aggregate classification (germline): Likely benign. Review status: criteria provided, multiple submitters, no conflicts (2 of 4 stars). 5 submissions from 5 submitters: Likely benign (5). Last evaluated 2026-06-22.

Conditions:
Cardiovascular phenotype. Identifiers: MedGen CN230736.
ALPK3-related disorder. Also called: ALPK3-related condition.

Allele frequency attached by ClinVar (database versions not stated): gnomAD exomes 0.00001 and 0.00002; ExAC 0.00003; TOPMed 0.00010; gnomAD 0.00011 and 0.00012.
gnomAD v4.1: 25 of 1,569,060 alleles (0.0016%); highest among the groups gnomAD compares: African/African-American, 0.027%; no homozygotes.

Submissions (5):

PreventionGenetics, part of Exact Sciences
Classification: Likely benign for ALPK3-related condition. Last evaluated: 2026-06-22. Review status: criteria provided, single submitter. Criteria: ACMG Guidelines, 2015. Collection method: clinical testing. Allele origin: germline.
Comment: This variant is classified as likely benign based on ACMG/AMP sequence variant interpretation guidelines (Richards et al. 2015 PMID: 25741868, with internal and published modifications).

Labcorp Genetics (formerly Invitae), Labcorp
Classification: Likely benign. Last evaluated: 2025-12-13. Review status: criteria provided, single submitter. Criteria: Invitae Variant Classification Sherloc (09022015). Collection method: clinical testing. Allele origin: germline.

Molecular Diagnostic Laboratory for Inherited Cardiovascular Disease, Montreal Heart Institute
Classification: Likely benign. Last evaluated: 2025-04-09. Review status: criteria provided, single submitter. Criteria: ACMG Guidelines, 2015. Collection method: clinical testing. Allele origin: germline. Affected: no.

GeneDx
Classification: Likely benign. Last evaluated: 2021-06-21. Review status: criteria provided, single submitter. Criteria: GeneDx Variant Classification Process June 2021. Collection method: clinical testing. Allele origin: germline. Affected: yes.

Ambry Genetics
Classification: Likely benign for Cardiovascular phenotype. Last evaluated: 2018-12-24. Review status: criteria provided, single submitter. Criteria: Ambry Variant Classification Scheme 2023. Collection method: clinical testing. Allele origin: germline.

NM_020778.5(ALPK3):c.3720C>T (p.Pro1240=)

Gene: ALPK3 (alpha kinase 3; plus strand). Cytogenetic location: 15q25.3.
Variant type: single nucleotide variant.
Coding change: c.3720C>T on transcript NM_020778.5 (MANE Select); coding-DNA position 3720, C replaced by T.
Protein change: p.Pro1240=; no amino-acid change (proline 1240 retained).
Molecular consequence: synonymous variant.
Genome position (GRCh38, 1-based): chr15:84,858,458, C>T. VCF-style: chr15-84858458-C-T. GRCh37 (hg19) VCF-style: chr15-85401689-C-T.
Identifiers: ClinVar variation 668399 (VCV000668399.14), dbSNP rs769015282, ClinGen allele CA7709702.